The following is an entry in ClinVar:

ClinVar aggregate classification (germline): Uncertain significance (1 of 4 stars; one submission).

Conditions:
Fetal akinesia deformation sequence 1 (FADS1). Also called: Fetal akinesia sequence; Pena-Shokeir syndrome type I. Identifiers: Orphanet 994, MedGen C1276035, MONDO:0100101, OMIM 208150, HP:0001989.
Congenital myasthenic syndrome 10. Also called: Myasthenia, limb-girdle, familial. Identifiers: Orphanet 590, MedGen C1850792, MONDO:0009690, OMIM 254300.

Allele frequency attached by ClinVar (database versions not stated): ExAC 0.00004; TOPMed 0.00005.
gnomAD v4.1: 98 of 1,565,854 alleles (0.0063%); highest among the groups gnomAD compares: Non-Finnish European, 0.0077%; no homozygotes.

Submission:

Labcorp Genetics (formerly Invitae), Labcorp
Classification: Uncertain significance for Congenital myasthenic syndrome 10; Fetal akinesia deformation sequence 1. Last evaluated: 2025-09-09. Review status: criteria provided, single submitter. Criteria: Invitae Variant Classification Sherloc (09022015). Collection method: clinical testing. Allele origin: germline.
Comment: This sequence change falls in intron 5 of the DOK7 gene. It does not directly change the encoded amino acid sequence of the DOK7 protein. It affects a nucleotide within the consensus splice site. This variant is present in population databases (rs767745850, gnomAD 0.01%). This variant has not been reported in the literature in individuals affected with DOK7-related conditions. ClinVar contains an entry for this variant (Variation ID: 465686). Variants that disrupt the consensus splice site are a relatively common cause of aberrant splicing (PMID: 17576681, 9536098). Algorithms developed to predict the effect of sequence changes on RNA splicing suggest that this variant is not likely to affect RNA splicing. In summary, the available evidence is currently insufficient to determine the role of this variant in disease. Therefore, it has been classified as a Variant of Uncertain Significance.

Literature cited by the submitters: PubMed 17576681; PubMed 9536098.

NM_173660.5(DOK7):c.653-3C>T

Gene: DOK7 (docking protein 7; plus strand). Cytogenetic location: 4p16.3.
Variant type: single nucleotide variant.
Coding change: c.653-3C>T on transcript NM_173660.5 (MANE Select); 3 bases into the intron before coding-DNA position 653, C replaced by T.
Molecular consequence: intron variant.
Genome position (GRCh38, 1-based): chr4:3,489,674, C>T. VCF-style: chr4-3489674-C-T. GRCh37 (hg19) VCF-style: chr4-3491401-C-T.
Other names: c.653-3C>T (NM_001301071.2); c.221-3C>T (NM_001363811.2); c.642-3C>T (NM_001164673.2); c.-278-3C>T (NM_001256896.2).
Identifiers: ClinVar variation 465686 (VCV000465686.7), dbSNP rs767745850, ClinGen allele CA2829133.
Genomic context (GRCh38, chr4:3,489,674, plus strand): 5'-TGCCTGCGGGCGAGGGTGGGCGGTGGTGGCCACCTCCTCCACCGAGTCTTCTCTCTGCCA[C>T]AGACCCAAGTCCCCCGGGACCCTCGACTGTGGAGGAGCGTGTGGCCCAGGAAGCCCTGGA-3'